The following is an entry in ClinVar:

NM_001369.3(DNAH5):c.8993dup (p.Leu2998fs)

Gene: DNAH5 (dynein axonemal heavy chain 5; minus strand). Cytogenetic location: 5p15.2.
Variant type: Duplication.
Coding change: c.8993dup on transcript NM_001369.3 (MANE Select); coding-DNA position 8993, one base duplicated (T; older notation c.8993dupT).
Protein change: p.Leu2998fs; shifts the reading frame from leucine 2998.
Molecular consequence: frameshift variant.
Genome position (GRCh38, 1-based): chr5:13,777,314, A duplicated on the plus strand (T on the coding strand, the reverse complement: DNAH5 is on the minus strand); the first of 4 consecutive A bases (chr5:13,777,314-13,777,317); duplicating any one gives the same sequence. VCF-style (leftmost placement, unchanged base first): chr5-13777313-C-CA. GRCh37 (hg19) VCF-style: chr5-13777422-C-CA.
Other names: short protein forms L2998fs.
Identifiers: ClinVar variation 5013037 (VCV005013037.1).

ClinVar aggregate classification (germline): Pathogenic (1 of 4 stars; one submission).

Conditions:
Primary ciliary dyskinesia 3. Identifiers: Orphanet 244, MedGen C1837618, MONDO:0012085, OMIM 608644.

Submission:

Myriad Genetics, Inc.
Classification: Pathogenic for Primary ciliary dyskinesia 3. Last evaluated: 2024-05-11. Review status: criteria provided, single submitter. Criteria: Myriad Autosomal Dominant, Autosomal Recessive and X-Linked Classification Criteria (2023). Collection method: clinical testing. Allele origin: unknown.
Comment: NM_001369.2(DNAH5):c.8993dupT(L2998Ffs*20) is expected to be pathogenic in the context of primary ciliary dyskinesia, DNAH5-related. This variant is predicted to lead to an abnormal or absent protein product due to the creation of a premature termination codon in DNAH5, a gene where loss-of-function variants are known to be pathogenic. Please note: this variant was assessed in the context of healthy population screening.